The following is an entry in ClinVar:

NM_015466.4(PTPN23):c.10G>C (p.Val4Leu)

Genes: PTPN23 (protein tyrosine phosphatase non-receptor type 23; plus strand), PTPN23-DT (PTPN23 divergent transcript; minus strand). Cytogenetic location: 3p21.31.
Variant type: single nucleotide variant.
Coding change: c.10G>C on transcript NM_015466.4 (MANE Select); coding-DNA position 10, G replaced by C.
Protein change: p.Val4Leu; replaces valine 4 with leucine.
Molecular consequence: missense variant. On other transcripts: non-coding transcript variant (1), 5 prime UTR variant (1).
Genome position (GRCh38, 1-based): chr3:47,381,106, G>C. VCF-style: chr3-47381106-G-C. GRCh37 (hg19) VCF-style: chr3-47422596-G-C.
Other names: c.-241G>C (NM_001304482.2); short protein forms V4L.
Identifiers: ClinVar variation 4731767 (VCV004731767.1).
Genomic context (GRCh38, chr3:47,381,106, plus strand): 5'-CAGCTGCAGCAGCTACGGGAGTGGCCGGGTGGCCGGCGGGTGCCAGCCGCCATGGAGGCC[G>C]TGCCCCGCATGCCCATGATCTGGCTGGACCTGAAGGAGGCCGGTGACTTTCACTTCCAGC-3'
Protein context (NP_056281.1, residues 1-14): MEA[Val4Leu]PRMPMIWLDL

ClinVar aggregate classification (germline): Uncertain significance (1 of 4 stars; one submission).

Submission:

Labcorp Genetics (formerly Invitae), Labcorp
Classification: Uncertain significance. Last evaluated: 2025-12-11. Review status: criteria provided, single submitter. Criteria: Invitae Variant Classification Sherloc (09022015). Collection method: clinical testing. Allele origin: germline.
Comment: This sequence change replaces valine, which is neutral and non-polar, with leucine, which is neutral and non-polar, at codon 4 of the PTPN23 protein (p.Val4Leu). This variant is not present in population databases (gnomAD no frequency). This variant has not been reported in the literature in individuals affected with PTPN23-related conditions. Experimental studies and prediction algorithms are not available or were not evaluated, and the functional significance of this variant is currently unknown. In summary, the available evidence is currently insufficient to determine the role of this variant in disease. Therefore, it has been classified as a Variant of Uncertain Significance.